The following is an entry in ClinVar:

NM_007194.4(CHEK2):c.284G>C (p.Arg95Pro)

Gene: CHEK2 (checkpoint kinase 2; minus strand). Cytogenetic location: 22q12.1.
Variant type: single nucleotide variant.
Coding change: c.284G>C on transcript NM_007194.4 (MANE Select); coding-DNA position 284, G replaced by C.
Protein change: p.Arg95Pro; replaces arginine 95 with proline.
Molecular consequence: missense variant.
Genome position (GRCh38, 1-based): chr22:28,734,438, C>G on the plus strand (G>C on the coding strand, the complement: CHEK2 is on the minus strand). VCF-style: chr22-28734438-C-G. GRCh37 (hg19) VCF-style: chr22-29130426-C-G.
Other names: c.284G>C, p.Arg95Pro (NM_001005735.3, NM_001349956.3, NM_145862.3); c.-494G>C (NM_001257387.3); short protein forms R95P.
Identifiers: ClinVar variation 439091 (VCV000439091.22), dbSNP rs750596499, ClinGen allele CA10168048.

ClinVar aggregate classification (germline): Uncertain significance. Review status: criteria provided, multiple submitters, no conflicts (2 of 4 stars). 6 submissions from 6 submitters: Uncertain significance (6). Last evaluated 2025-05-30.

Conditions:
Familial cancer of breast. Also called: hereditary breast carcinoma; Hereditary breast cancer; BREAST CANCER, FAMILIAL. Identifiers: Orphanet 227535, MedGen C0346153, MONDO:0016419, OMIM 114480. Disease mechanism: loss of function.
Hereditary cancer-predisposing syndrome. Also called: Hereditary neoplastic syndrome; Hereditary Cancer Syndrome; Tumor predisposition; Neoplastic Syndromes, Hereditary. Identifiers: Orphanet 140162, MedGen C0027672, MeSH D009386, MONDO:0015356.
Colorectal cancer. Also called: Colorectal cancer, somatic; Malignant Colorectal Neoplasm. Identifiers: MedGen C0346629, MONDO:0005575, OMIM 114500.

Allele frequency attached by ClinVar (database versions not stated): TOPMed 0.00001.
gnomAD v4.1: 9 of 1,613,914 alleles (0.00056%); highest among the groups gnomAD compares: East Asian, 0.0022%; no homozygotes.

Submissions (6):

Ambry Genetics
Classification: Uncertain significance for Hereditary cancer-predisposing syndrome. Last evaluated: 2025-05-30. Review status: criteria provided, single submitter. Criteria: Ambry Variant Classification Scheme 2023. Collection method: clinical testing. Allele origin: germline.
Comment: The p.R95P variant (also known as c.284G>C), located in coding exon 1 of the CHEK2 gene, results from a G to C substitution at nucleotide position 284. The arginine at codon 95 is replaced by proline, an amino acid with dissimilar properties. This variant was reported as functionally impaired in a study assessing CHEK2-complementation through quantification of KAP1 phosphorylation and CHK2 autophosphorylation in human RPE1-CHEK2-knockout cells (Stolarova L et al. Clin Cancer Res, 2023 Aug;29:3037-3050). This amino acid position is highly conserved in available vertebrate species. In addition, this alteration is predicted to be deleterious by in silico analysis. Based on the available evidence, the clinical significance of this variant remains unclear.

Labcorp Genetics (formerly Invitae), Labcorp
Classification: Uncertain significance for Familial cancer of breast. Last evaluated: 2025-04-01. Review status: criteria provided, single submitter. Criteria: Invitae Variant Classification Sherloc (09022015). Collection method: clinical testing. Allele origin: germline.
Comment: This sequence change replaces arginine, which is basic and polar, with proline, which is neutral and non-polar, at codon 95 of the CHEK2 protein (p.Arg95Pro). This variant is present in population databases (rs750596499, gnomAD 0.0009%). This variant has not been reported in the literature in individuals affected with CHEK2-related conditions. ClinVar contains an entry for this variant (Variation ID: 439091). An algorithm developed to predict the effect of missense changes on protein structure and function (PolyPhen-2) suggests that this variant is likely to be disruptive. In summary, the available evidence is currently insufficient to determine the role of this variant in disease. Therefore, it has been classified as a Variant of Uncertain Significance.

GeneDx
Classification: Uncertain significance. Last evaluated: 2024-06-03. Review status: criteria provided, single submitter. Criteria: GeneDx Variant Classification Process June 2021. Collection method: clinical testing. Allele origin: germline. Affected: yes.
Comment: Not observed at significant frequency in large population cohorts (gnomAD); In silico analysis supports that this missense variant has a deleterious effect on protein structure/function; Has not been previously published as pathogenic or benign to our knowledge; This variant is associated with the following publications: (PMID: 22419737, 19782031)

Neuberg Centre For Genomic Medicine, NCGM
Classification: Uncertain significance for Colorectal cancer. Last evaluated: 2023-05-20. Review status: criteria provided, single submitter. Criteria: ACMG Guidelines, 2015. Collection method: clinical testing. Allele origin: germline. Inheritance: Autosomal dominant inheritance. Affected: yes.
Comment: The missense c.284G>C (p.Arg95Pro) variant in the CHECK2 gene has not been reported previously as a pathogenic variant nor as a benign variant, to our knowledge. This variant is reported with the allele frequency (0.0003%) in the gnomAD Exomes.. This variant has been reported to the ClinVar database as Uncertain Significance. However, no details are available for independent assessment The amino acid Arginine at position 95 is changed to a Proline changing protein sequence and it might alter its composition and physico-chemical properties. Multiple lines of computational evidence (Polyphen - Probably damaging, SIFT – Damaging and MutationTaster - Disease causing) predict a damaging effect on protein structure and function for this variant. The amino acid change p.Arg95Pro in CHEK2 is predicted as conserved by GERP++ and PhyloP across 100 vertebrates. For these reasons, this variant has been classified as Uncertain Significance.

Color Diagnostics, LLC DBA Color Health
Classification: Uncertain significance for Hereditary cancer-predisposing syndrome. Last evaluated: 2018-08-30. Review status: criteria provided, single submitter. Criteria: ACMG Guidelines, 2015. Collection method: clinical testing. Allele origin: germline.

Quest Diagnostics Nichols Institute San Juan Capistrano
Classification: Uncertain significance. Last evaluated: 2017-07-10. Review status: criteria provided, single submitter. Criteria: Quest Diagnostics criteria. Collection method: clinical testing. Allele origin: germline.

Literature cited by the submitters: PubMed 37449874 (cited by Ambry Genetics).